The following is an entry in ClinVar:

ClinVar aggregate classification (germline): Benign. Review status: criteria provided, multiple submitters, no conflicts (2 of 4 stars). 2 submissions from 2 submitters: Benign (2). Last evaluated 2025-07-06.

Conditions:
Pseudohypoaldosteronism type 2E (PHA2E). Also called: Pseudohypoaldosteronism Type IIE. Identifiers: Orphanet 300530, Orphanet 757, MedGen C3469606, MONDO:0013782, OMIM 614496.

Allele frequency attached by ClinVar (database versions not stated): gnomAD exomes 0.00010 and 0.00018; ExAC 0.00021; gnomAD 0.00060 and 0.00061; TOPMed 0.00067; 1000 Genomes Project 0.00120.
gnomAD v4.1: 241 of 1,607,678 alleles (0.015%); highest among the groups gnomAD compares: African/African-American, 0.2%; 1 homozygote.

Submissions (2):

Labcorp Genetics (formerly Invitae), Labcorp
Classification: Benign. Last evaluated: 2025-07-06. Review status: criteria provided, single submitter. Criteria: Invitae Variant Classification Sherloc (09022015). Collection method: clinical testing. Allele origin: germline.

Illumina Laboratory Services, Illumina
Classification: Benign for Pseudohypoaldosteronism type 2E. Last evaluated: 2018-01-12. Review status: criteria provided, single submitter. Criteria: ICSL Variant Classification Criteria 13 December 2019. Collection method: clinical testing. Allele origin: germline.
Comment: This variant was observed in the ICSL laboratory as part of a predisposition screen in an ostensibly healthy population. It had not been previously curated by ICSL or reported in the Human Gene Mutation Database (HGMD: prior to June 1st, 2018), and was therefore a candidate for classification through an automated scoring system. Utilizing variant allele frequency, disease prevalence and penetrance estimates, and inheritance mode, an automated score was calculated to assess if this variant is too frequent to cause the disease. Based on the score and internal cut-off values, a variant classified as benign is not then subjected to further curation. The score for this variant resulted in a classification of benign for this disease.

NM_003590.5(CUL3):c.1708-14T>A

Gene: CUL3 (cullin 3; minus strand). Cytogenetic location: 2q36.2.
Variant type: single nucleotide variant.
Coding change: c.1708-14T>A on transcript NM_003590.5 (MANE Select); 14 bases into the intron before coding-DNA position 1708, T replaced by A.
Molecular consequence: intron variant.
Genome position (GRCh38, 1-based): chr2:224,495,980, A>T on the plus strand (T>A on the coding strand, the complement: CUL3 is on the minus strand). VCF-style: chr2-224495980-A-T. GRCh37 (hg19) VCF-style: chr2-225360697-A-T.
Other names: c.1510-14T>A (NM_001257197.2); c.1726-14T>A (NM_001257198.2).
Identifiers: ClinVar variation 898279 (VCV000898279.8), dbSNP rs200916037, ClinGen allele CA2139903.